The following is an entry in ClinVar:

ClinVar aggregate classification (germline): Uncertain significance. Review status: criteria provided, multiple submitters, no conflicts (2 of 4 stars). 2 submissions from 2 submitters: Uncertain significance (2). Last evaluated 2025-08-09.

Conditions:
Hereditary cancer-predisposing syndrome. Also called: Neoplastic Syndromes, Hereditary; Tumor predisposition; Hereditary Cancer Syndrome; Hereditary neoplastic syndrome. Identifiers: Orphanet 140162, MedGen C0027672, MeSH D009386, MONDO:0015356.
Parathyroid carcinoma (PRTC). Also called: CDC73-Related Parathyroid Carcinoma; Parathyroid gland carcinoma. Identifiers: Orphanet 143, MedGen C0687150, MONDO:0012004, OMIM 608266, HP:0006780.

gnomAD v4.1: 4 of 1,613,608 alleles (0.00025%); highest among the groups gnomAD compares: Non-Finnish European, 0.00034%; no homozygotes.

Submissions (2):

Ambry Genetics
Classification: Uncertain significance for Hereditary cancer-predisposing syndrome. Last evaluated: 2025-08-09. Review status: criteria provided, single submitter. Criteria: Ambry Variant Classification Scheme 2023. Collection method: clinical testing. Allele origin: germline.
Comment: The p.T417P variant (also known as c.1249A>C), located in coding exon 14 of the CDC73 gene, results from an A to C substitution at nucleotide position 1249. The threonine at codon 417 is replaced by proline, an amino acid with highly similar properties. This amino acid position is conserved. In addition, the in silico prediction for this alteration is inconclusive. Since supporting evidence is limited at this time, the clinical significance of this alteration remains unclear.

Labcorp Genetics (formerly Invitae), Labcorp
Classification: Uncertain significance for Parathyroid carcinoma. Last evaluated: 2023-02-06. Review status: criteria provided, single submitter. Criteria: Invitae Variant Classification Sherloc (09022015). Collection method: clinical testing. Allele origin: germline.
Comment: This variant is not present in population databases (gnomAD no frequency). This variant has not been reported in the literature in individuals affected with CDC73-related conditions. ClinVar contains an entry for this variant (Variation ID: 652016). Algorithms developed to predict the effect of missense changes on protein structure and function are either unavailable or do not agree on the potential impact of this missense change (SIFT: "Deleterious"; PolyPhen-2: "Benign"; Align-GVGD: "Class C0"). In summary, the available evidence is currently insufficient to determine the role of this variant in disease. Therefore, it has been classified as a Variant of Uncertain Significance. This sequence change replaces threonine, which is neutral and polar, with proline, which is neutral and non-polar, at codon 417 of the CDC73 protein (p.Thr417Pro).

NM_024529.5(CDC73):c.1249A>C (p.Thr417Pro)

Gene: CDC73 (cell division cycle 73; plus strand). Cytogenetic location: 1q31.2.
Variant type: single nucleotide variant.
Coding change: c.1249A>C on transcript NM_024529.5 (MANE Select); coding-DNA position 1249, A replaced by C.
Protein change: p.Thr417Pro; replaces threonine 417 with proline.
Molecular consequence: missense variant.
Genome position (GRCh38, 1-based): chr1:193,233,087, A>C. VCF-style: chr1-193233087-A-C. GRCh37 (hg19) VCF-style: chr1-193202217-A-C.
Other names: short protein forms T417P.
Identifiers: ClinVar variation 652016 (VCV000652016.10), dbSNP rs1572215351, ClinGen allele CA344077924.